The following is an entry in ClinVar:

NM_001160372.4(TRAPPC9):c.2901G>C (p.Glu967Asp)

Gene: TRAPPC9 (trafficking protein particle complex subunit 9; minus strand). Cytogenetic location: 8q24.3.
Variant type: single nucleotide variant.
Coding change: c.2901G>C on transcript NM_001160372.4 (MANE Select); coding-DNA position 2901, G replaced by C.
Protein change: p.Glu967Asp; replaces glutamic acid 967 with aspartic acid.
Molecular consequence: missense variant. On other transcripts: non-coding transcript variant (1).
Genome position (GRCh38, 1-based): chr8:139,910,210, C>G on the plus strand (G>C on the coding strand, the complement: TRAPPC9 is on the minus strand). VCF-style: chr8-139910210-C-G. GRCh37 (hg19) VCF-style: chr8-140922454-C-G.
Other names: c.2874G>C, p.Glu958Asp (NM_001321646.2); c.2922G>C, p.Glu974Asp (NM_001374682.1); c.2790G>C, p.Glu930Asp (NM_001374683.1); c.2757G>C, p.Glu919Asp (NM_001374684.1); c.2901G>C, p.Glu967Asp (NM_031466.8); c.3195G>C (NM_031466.7); short protein forms E919D, E930D, E958D, E967D, E974D.
Identifiers: ClinVar variation 1311605 (VCV001311605.5), dbSNP rs139074311, ClinGen allele CA4892886.

ClinVar aggregate classification (germline): Uncertain significance. Review status: criteria provided, multiple submitters, no conflicts (2 of 4 stars). 3 submissions from 3 submitters: Uncertain significance (2). 1 of the submissions does not count toward it. Last evaluated 2022-09-01.

Conditions:
TRAPPC9-related disorder. Also called: TRAPPC9-related condition.

Allele frequency attached by ClinVar (database versions not stated): gnomAD exomes 0.00008 and 0.00013; TOPMed 0.00008; gnomAD 0.00009 and 0.00010; ExAC 0.00014; ESP Exome Variant Server 0.00023.
gnomAD v4.1: 139 of 1,614,104 alleles (0.0086%); highest among the groups gnomAD compares: Admixed American, 0.0083%; no homozygotes.

Submissions (3):

Labcorp Genetics (formerly Invitae), Labcorp
Classification: Uncertain significance. Last evaluated: 2022-09-01. Review status: criteria provided, single submitter. Criteria: Invitae Variant Classification Sherloc (09022015). Collection method: clinical testing. Allele origin: germline.
Comment: This sequence change replaces glutamic acid, which is acidic and polar, with aspartic acid, which is acidic and polar, at codon 1065 of the TRAPPC9 protein (p.Glu1065Asp). This variant is present in population databases (rs139074311, gnomAD 0.2%). This variant has not been reported in the literature in individuals affected with TRAPPC9-related conditions. ClinVar contains an entry for this variant (Variation ID: 1311605). Algorithms developed to predict the effect of missense changes on protein structure and function are either unavailable or do not agree on the potential impact of this missense change (SIFT: "Not Available"; PolyPhen-2: "Probably Damaging"; Align-GVGD: "Not Available"). In summary, the available evidence is currently insufficient to determine the role of this variant in disease. Therefore, it has been classified as a Variant of Uncertain Significance.

GeneDx
Classification: Uncertain significance. Last evaluated: 2019-09-04. Review status: criteria provided, single submitter. Criteria: GeneDx Variant Classification Process June 2021. Collection method: clinical testing. Allele origin: germline. Affected: yes.
Comment: In silico analysis, which includes protein predictors and evolutionary conservation, supports that this variant does not alter protein structure/function; Has not been previously published as pathogenic or benign to our knowledge

PreventionGenetics, part of Exact Sciences
Classification: Likely benign for TRAPPC9-related condition. Last evaluated: 2023-03-28. Review status: no assertion criteria provided. Collection method: clinical testing. Allele origin: germline. Not counted in ClinVar's aggregate classification.
Comment: This variant is classified as likely benign based on ACMG/AMP sequence variant interpretation guidelines (Richards et al. 2015 PMID: 25741868, with internal and published modifications).